The following is an entry in ClinVar:

ClinVar aggregate classification (germline): Pathogenic (1 of 4 stars; one submission).

Conditions:
Early-infantile DEE. Also called: Ohtahara syndrome; Early infantile epileptic encephalopathy with suppression bursts; Early infantile epileptic encephalopathy. Identifiers: Orphanet 1934, MedGen C0393706, MONDO:0800491.

Submission:

Labcorp Genetics (formerly Invitae), Labcorp
Classification: Pathogenic for Early-infantile DEE. Last evaluated: 2024-06-25. Review status: criteria provided, single submitter. Criteria: Invitae Variant Classification Sherloc (09022015). Collection method: clinical testing. Allele origin: germline.
Comment: This sequence change replaces proline, which is neutral and non-polar, with arginine, which is basic and polar, at codon 1739 of the SCN1A protein (p.Pro1739Arg). This variant is not present in population databases (gnomAD no frequency). This missense change has been observed in individual(s) with clinical features of autosomal dominant SCN1A-related conditions (Invitae). In at least one individual the variant was observed to be de novo. ClinVar contains an entry for this variant (Variation ID: 846320). Advanced modeling of protein sequence and biophysical properties (such as structural, functional, and spatial information, amino acid conservation, physicochemical variation, residue mobility, and thermodynamic stability) performed at Invitae indicates that this missense variant is expected to disrupt SCN1A protein function with a positive predictive value of 95%. For these reasons, this variant has been classified as Pathogenic.

NM_001165963.4(SCN1A):c.5216C>G (p.Pro1739Arg)

Genes: SCN1A (sodium voltage-gated channel alpha subunit 1; minus strand), LOC102724058 (uncharacterized LOC102724058; plus strand). Cytogenetic location: 2q24.3.
Variant type: single nucleotide variant.
Coding change: c.5216C>G on transcript NM_001165963.4 (MANE Select); coding-DNA position 5216, C replaced by G.
Protein change: p.Pro1739Arg; replaces proline 1739 with arginine.
Molecular consequence: missense variant. On other transcripts: non-coding transcript variant (1).
Genome position (GRCh38, 1-based): chr2:165,992,059, G>C on the plus strand (C>G on the coding strand, the complement: SCN1A is on the minus strand). VCF-style: chr2-165992059-G-C. GRCh37 (hg19) VCF-style: chr2-166848569-G-C.
Other names: c.5132C>G, p.Pro1711Arg (NM_001165964.3, NM_001353957.2, NM_001353958.2); c.5216C>G, p.Pro1739Arg (NM_001202435.3, NM_001353948.2); c.5183C>G, p.Pro1728Arg (NM_001353949.2, NM_001353950.2, NM_001353951.2 and 2 more transcripts); c.5180C>G, p.Pro1727Arg (NM_001353954.2, NM_001353955.2); c.5129C>G, p.Pro1710Arg (NM_001353960.2); c.2774C>G, p.Pro925Arg (NM_001353961.2); short protein forms P1728R, P925R, P1711R, P1710R, P1727R, P1739R.
Identifiers: ClinVar variation 846320 (VCV000846320.10), dbSNP rs1689271621, ClinGen allele CA349068558.